The following is an entry in ClinVar:

ClinVar aggregate classification (germline): Likely pathogenic (1 of 4 stars; one submission).

Conditions:
Succinate-semialdehyde dehydrogenase deficiency (SSADHD). Also called: Succinic Semialdehyde Dehydrogenase Deficiency; SSADH DEFICIENCY; 4-HYDROXYBUTYRIC ACIDURIA; GABA METABOLIC DEFECT. Identifiers: Orphanet 22, MedGen C0268631, MONDO:0010083, OMIM 271980.

Submission:

Elsea Laboratory, Baylor College of Medicine
Classification: Likely pathogenic for Succinate-semialdehyde dehydrogenase deficiency. Last evaluated: 2021-03-08. Review status: criteria provided, single submitter. Criteria: Martin et al. (J Child Neurol. 2021). Collection method: curation. Allele origin: germline. Affected: yes.
Comment: sequence_variant_affecting_splicing; IVS2+1G>A;deficient enzyme activity; NAD binding domain

Literature cited by the submitters: PubMed 25558043; PubMed 33203024; PubMed 32402538.

NM_001080.3(ALDH5A1):c.466G>A (p.Glu156Lys)

Gene: ALDH5A1 (aldehyde dehydrogenase 5 family member A1; plus strand). Cytogenetic location: 6p22.3.
Variant type: single nucleotide variant.
Coding change: c.466G>A on transcript NM_001080.3 (MANE Select); coding-DNA position 466, G replaced by A.
Protein change: p.Glu156Lys; replaces glutamic acid 156 with lysine.
Molecular consequence: missense variant.
Genome position (GRCh38, 1-based): chr6:24,503,290, G>A. VCF-style: chr6-24503290-G-A. GRCh37 (hg19) VCF-style: chr6-24503518-G-A.
Other names: c.466G>A, p.Glu156Lys (NM_001368954.1, NM_170740.1); short protein forms E156K.
Identifiers: ClinVar variation 1878447 (VCV001878447.4), dbSNP rs2532832446, ClinGen allele CA362969447.